The following is an entry in ClinVar:

NM_017613.4(DONSON):c.189C>T (p.Gly63=)

Gene: DONSON (DNA replication fork stabilization factor DONSON; minus strand). Cytogenetic location: 21q22.11.
Variant type: single nucleotide variant.
Coding change: c.189C>T on transcript NM_017613.4 (MANE Select); coding-DNA position 189, C replaced by T.
Protein change: p.Gly63=; no amino-acid change (glycine 63 retained).
Molecular consequence: synonymous variant.
Genome position (GRCh38, 1-based): chr21:33,588,453, G>A on the plus strand (C>T on the coding strand, the complement: DONSON is on the minus strand). VCF-style: chr21-33588453-G-A. GRCh37 (hg19) VCF-style: chr21-34960759-G-A.
Other names: c.189C>T (NM_017613.3).
Identifiers: ClinVar variation 1905312 (VCV001905312.6), dbSNP rs576930642, ClinGen allele CA10010672.
Genomic context (GRCh38, chr21:33,588,453, plus strand): 5'-CAGGCGGGCGAAGGGGTTCCTCCGAGCAGCGGCCGGGCCGCCGCCGCTGCCACCGCCTCT[G>A]CCCCCCGCAGCAGGGAAAGGGCGAAGAGGCAGCCCCGCCACCAGGGCGGCTCGGCGGGCC-3'
Protein context (NP_060083.1, residues 53-73): LPLRPFPAAG[Gly63=]RGGGSGGGPA

ClinVar aggregate classification (germline): Benign/Likely benign. Review status: criteria provided, multiple submitters, no conflicts (2 of 4 stars). 2 submissions from 2 submitters: Benign (1); Likely benign (1). Last evaluated 2025-04-27.

Conditions:
DONSON-related disorder. Also called: DONSON-related condition.

Allele frequency attached by ClinVar (database versions not stated): TOPMed 0.00003; gnomAD 0.00009; 1000 Genomes Project 30x 0.00125; ExAC 0.01000.
gnomAD v4.1: 105 of 1,305,362 alleles (0.008%); highest among the groups gnomAD compares: South Asian, 0.23%; no homozygotes.

Submissions (2):

Labcorp Genetics (formerly Invitae), Labcorp
Classification: Benign. Last evaluated: 2025-04-27. Review status: criteria provided, single submitter. Criteria: Invitae Variant Classification Sherloc (09022015). Collection method: clinical testing. Allele origin: germline.

PreventionGenetics, part of Exact Sciences
Classification: Likely benign for DONSON-related condition. Last evaluated: 2024-12-11. Review status: criteria provided, single submitter. Criteria: ACMG Guidelines, 2015. Collection method: clinical testing. Allele origin: germline.
Comment: This variant is classified as likely benign based on ACMG/AMP sequence variant interpretation guidelines (Richards et al. 2015 PMID: 25741868, with internal and published modifications).